The following is an entry in ClinVar:

ClinVar aggregate classification (germline): Uncertain significance (1 of 4 stars; one submission).

Allele frequency attached by ClinVar (database versions not stated): gnomAD exomes below 0.00001.
gnomAD v4.1: 2 of 1,614,158 alleles (0.00012%); highest among the groups gnomAD compares: South Asian, 0.0011%; no homozygotes.

Submission:

Labcorp Genetics (formerly Invitae), Labcorp
Classification: Uncertain significance. Last evaluated: 2022-04-08. Review status: criteria provided, single submitter. Criteria: Invitae Variant Classification Sherloc (09022015). Collection method: clinical testing. Allele origin: germline.
Comment: This sequence change replaces valine, which is neutral and non-polar, with methionine, which is neutral and non-polar, at codon 381 of the TJP2 protein (p.Val381Met). This variant is not present in population databases (gnomAD no frequency). This variant has not been reported in the literature in individuals affected with TJP2-related conditions. Algorithms developed to predict the effect of missense changes on protein structure and function are either unavailable or do not agree on the potential impact of this missense change (SIFT: "Deleterious"; PolyPhen-2: "Probably Damaging"; Align-GVGD: "Class C0"). In summary, the available evidence is currently insufficient to determine the role of this variant in disease. Therefore, it has been classified as a Variant of Uncertain Significance.

NM_004817.4(TJP2):c.1141G>A (p.Val381Met)

Gene: TJP2 (tight junction protein 2; plus strand). Cytogenetic location: 9q21.11.
Variant type: single nucleotide variant.
Coding change: c.1141G>A on transcript NM_004817.4 (MANE Select); coding-DNA position 1141, G replaced by A.
Protein change: p.Val381Met; replaces valine 381 with methionine.
Molecular consequence: missense variant.
Genome position (GRCh38, 1-based): chr9:69,226,106, G>A. VCF-style: chr9-69226106-G-A. GRCh37 (hg19) VCF-style: chr9-71841022-G-A.
Other names: c.1072G>A, p.Val358Met (NM_001170414.2, NM_001369870.1, NM_001369871.1); c.1153G>A, p.Val385Met (NM_001170415.1, NM_001369874.1, NM_001369875.1); c.1234G>A, p.Val412Met (NM_001170416.2); c.1141G>A, p.Val381Met (NM_001369872.1, NM_001369873.1, NM_201629.3); short protein forms V381M, V385M, V358M, V412M.
Identifiers: ClinVar variation 1492596 (VCV001492596.6), dbSNP rs2133314809, ClinGen allele CA373530564.